The following is an entry in ClinVar:

ClinVar aggregate classification (germline): Likely benign (1 of 4 stars; one submission).

Submission:

CeGaT Center for Human Genetics Tuebingen
Classification: Likely benign. Last evaluated: 2025-08-01. Review status: criteria provided, single submitter. Criteria: CeGaT Center For Human Genetics Tuebingen Variant Classification Criteria Version 2. Collection method: clinical testing. Allele origin: germline. Affected: yes. Observed: 1 variant allele.
Comment: FAM230A: BP4, BP7

NC_000022.11:g.20356075G>T

Variant type: single nucleotide variant.
Genome position: GRCh38 VCF-style: chr22-20356075-G-T. GRCh37 (hg19) VCF-style: chr22-20710365-G-T.
Identifiers: ClinVar variation 4084619 (VCV004084619.8).